The following is an entry in ClinVar:

NM_000535.7(PMS2):c.537+4del

Gene: PMS2 (PMS1 homolog 2, mismatch repair system component; minus strand). Cytogenetic location: 7p22.1.
Variant type: Deletion.
Coding change: c.537+4del on transcript NM_000535.7 (MANE Select); 4 bases into the intron after coding-DNA position 537, one base deleted (C; older notation c.537+4delC).
Molecular consequence: intron variant.
Genome position (GRCh38, 1-based): chr7:6,002,449, G deleted on the plus strand (C on the coding strand, the reverse complement: PMS2 is on the minus strand). VCF-style (leftmost placement, unchanged base first): chr7-6002448-TG-T. GRCh37 (hg19) VCF-style: chr7-6042079-TG-T.
Other names: c.132+4del (NM_001322005.2, NM_001406895.1, NM_001406911.1 and 24 more transcripts); c.228+4del (NM_001406882.1, NM_001406875.1, NM_001406877.1 and 6 more transcripts); c.219+4del (NM_001322008.2, NM_001406902.1, NM_001406883.1 and 4 more transcripts); c.-348+4del (NM_001322012.2, NM_001322011.2); c.250+1523del (NM_001406885.1); c.537+4del (NM_001406886.1, NM_001406884.1, NM_001406874.1 and 8 more transcripts); c.561+4del (NM_001406868.1); c.723+4del (NM_001406866.1).
Identifiers: ClinVar variation 5026944 (VCV005026944.1).

ClinVar aggregate classification (germline): Uncertain significance (1 of 4 stars; one submission).

Conditions:
Hereditary cancer-predisposing syndrome. Also called: Neoplastic Syndromes, Hereditary; Tumor predisposition; Hereditary neoplastic syndrome; Hereditary Cancer Syndrome. Identifiers: Orphanet 140162, MedGen C0027672, MeSH D009386, MONDO:0015356.

Submission:

Ambry Genetics
Classification: Uncertain significance for Hereditary cancer-predisposing syndrome. Last evaluated: 2026-09-11. Review status: criteria provided, single submitter. Criteria: Ambry Variant Classification Scheme 2023. Collection method: clinical testing. Allele origin: germline.
Comment: The c.537+4delC intronic variant, located in intron 5 of the PMS2 gene, results from a deletion of one nucleotide within intron 5 of the PMS2 gene. This nucleotide position is not well conserved in available vertebrate species. In silico splice site analysis predicts that this alteration will not have any significant effect on splicing. Based on the available evidence, the clinical significance of this variant remains unclear.